The following is an entry in ClinVar:

NM_007294.4(BRCA1):c.983_990dup (p.Arg331fs)

Gene: BRCA1 (BRCA1 DNA repair associated; minus strand). Cytogenetic location: 17q21.31.
Variant type: Duplication.
Coding change: c.983_990dup on transcript NM_007294.4 (MANE Select); coding-DNA positions 983 to 990, 8 bases duplicated (GTAATGAT; older notation c.983_990dupGTAATGAT).
Protein change: p.Arg331fs; shifts the reading frame from arginine 331.
Molecular consequence: frameshift variant. On other transcripts: intron variant (137).
Genome position (GRCh38, 1-based): chr17:43,094,541-43,094,548, ATCATTAC duplicated on the plus strand (GTAATGAT on the coding strand, the reverse complement: BRCA1 is on the minus strand); duplicating any 8 consecutive bases within chr17:43,094,541-43,094,550 gives the same sequence; the c. name uses the placement nearest the transcript's 3' end. VCF-style (leftmost placement, unchanged base first): chr17-43094540-T-TATCATTAC. GRCh37 (hg19) VCF-style: chr17-41246557-T-TATCATTAC.
Other names: c.784+196_784+203dup (NM_001407985.1, NM_001408396.1, NM_001408401.1 and 13 more transcripts); c.577+196_577+203dup (NM_001408480.1, NM_001408481.1, NM_001408492.1 and 9 more transcripts); c.778+196_778+203dup (NM_001408408.1); c.548-3516_548-3509dup (NM_001408494.1); c.664+196_664+203dup (NM_001408444.1, NM_001408438.1, NM_001408430.1 and 12 more transcripts); c.661+196_661+203dup (NM_001408446.1, NM_001408435.1, NM_001408448.1 and 6 more transcripts); c.770_777dup, p.Arg260fs (NM_001407571.1, NM_001407853.1, NM_001407894.1 and 9 more transcripts); c.983_990dup, p.Arg331fs (NM_001407581.1, NM_001407582.1, NM_001407583.1 and 30 more transcripts); and 41 more; short protein forms R284fs, R331fs, R203fs, R242fs, R264fs, R290fs, R163fs, R219fs.
Identifiers: ClinVar variation 923161 (VCV000923161.4), dbSNP rs2054011546, ClinGen allele CA1139664800.

ClinVar aggregate classification (germline): Pathogenic (1 of 4 stars; one submission).

Conditions:
Hereditary cancer-predisposing syndrome. Also called: Neoplastic Syndromes, Hereditary; Tumor predisposition; Hereditary Cancer Syndrome; Hereditary neoplastic syndrome. Identifiers: Orphanet 140162, MedGen C0027672, MeSH D009386, MONDO:0015356.

Submission:

Color Diagnostics, LLC DBA Color Health
Classification: Pathogenic for Hereditary cancer-predisposing syndrome. Last evaluated: 2019-09-09. Review status: criteria provided, single submitter. Criteria: ACMG Guidelines, 2015. Collection method: clinical testing. Allele origin: germline.
Comment: This variant duplicates 8 nucleotides in exon 10 of the BRCA1 gene, creating a frameshift and premature translation stop signal. This variant is expected to result in an absent or non-functional protein product. Splice site prediction tools suggest that this variant may not impact RNA splicing. To our knowledge, functional studies have not been performed for this variant. This variant has not been reported in individuals affected with hereditary cancer in the literature. This variant has not been identified in the general population by the Genome Aggregation Database (gnomAD). Loss of BRCA1 function is a known mechanism of disease. Based on the available evidence, this variant is classified as Pathogenic.